The following is an entry in ClinVar:

ClinVar aggregate classification (germline): Uncertain significance. Review status: criteria provided, multiple submitters, no conflicts (2 of 4 stars). 3 submissions from 3 submitters: Uncertain significance (3). Last evaluated 2024-03-16.

Conditions:
Myofibrillar myopathy 5. Also called: FILAMINOPATHY, AUTOSOMAL DOMINANT; Filaminopathy (type). Identifiers: Orphanet 171445, MedGen C1836050, MONDO:0012289, OMIM 609524.
Hypertrophic cardiomyopathy 26. Also called: Cardiomyopathy, familial hypertrophic, 26. Identifiers: Orphanet 75249, MedGen C4310749, MONDO:0014883, OMIM 617047.
Distal myopathy with posterior leg and anterior hand involvement. Also called: WILLIAMS DISTAL MYOPATHY. Identifiers: Orphanet 63273, MedGen C3279722, MONDO:0013550, OMIM 614065.
Cardiovascular phenotype. Identifiers: MedGen CN230736.

gnomAD v4.1: 1 of 1,609,138 alleles (0.000062%); highest among the groups gnomAD compares: Non-Finnish European, 0.000085%; no homozygotes.

Submissions (3):

Labcorp Genetics (formerly Invitae), Labcorp
Classification: Uncertain significance for Distal myopathy with posterior leg and anterior hand involvement; Myofibrillar myopathy 5; Hypertrophic cardiomyopathy 26. Last evaluated: 2024-03-16. Review status: criteria provided, single submitter. Criteria: Invitae Variant Classification Sherloc (09022015). Collection method: clinical testing. Allele origin: germline.
Comment: This sequence change replaces threonine, which is neutral and polar, with serine, which is neutral and polar, at codon 1506 of the FLNC protein (p.Thr1506Ser). This variant is not present in population databases (gnomAD no frequency). This variant has not been reported in the literature in individuals affected with FLNC-related conditions. ClinVar contains an entry for this variant (Variation ID: 1011345). Advanced modeling of protein sequence and biophysical properties (such as structural, functional, and spatial information, amino acid conservation, physicochemical variation, residue mobility, and thermodynamic stability) has been performed at Invitae for this missense variant, however the output from this modeling did not meet the statistical confidence thresholds required to predict the impact of this variant on FLNC protein function. In summary, the available evidence is currently insufficient to determine the role of this variant in disease. Therefore, it has been classified as a Variant of Uncertain Significance.

Ambry Genetics
Classification: Uncertain significance for Cardiovascular phenotype. Last evaluated: 2024-03-08. Review status: criteria provided, single submitter. Criteria: Ambry Variant Classification Scheme 2023. Collection method: clinical testing. Allele origin: germline.
Comment: The p.T1506S variant (also known as c.4517C>G), located in coding exon 26 of the FLNC gene, results from a C to G substitution at nucleotide position 4517. The threonine at codon 1506 is replaced by serine, an amino acid with similar properties. This amino acid position is highly conserved in available vertebrate species. In addition, this alteration is predicted to be tolerated by in silico analysis. Since supporting evidence is limited at this time, the clinical significance of this alteration remains unclear.

GeneDx
Classification: Uncertain significance. Last evaluated: 2023-01-17. Review status: criteria provided, single submitter. Criteria: GeneDx Variant Classification Process June 2021. Collection method: clinical testing. Allele origin: germline. Affected: yes.
Comment: Not observed at significant frequency in large population cohorts (gnomAD); In silico analysis supports that this missense variant does not alter protein structure/function; Has not been previously published as pathogenic or benign to our knowledge

NM_001458.5(FLNC):c.4517C>G (p.Thr1506Ser)

Gene: FLNC (filamin C; plus strand). Cytogenetic location: 7q32.1.
Variant type: single nucleotide variant.
Coding change: c.4517C>G on transcript NM_001458.5 (MANE Select); coding-DNA position 4517, C replaced by G.
Protein change: p.Thr1506Ser; replaces threonine 1506 with serine.
Molecular consequence: missense variant.
Genome position (GRCh38, 1-based): chr7:128,848,005, C>G. VCF-style: chr7-128848005-C-G. GRCh37 (hg19) VCF-style: chr7-128488059-C-G.
Other names: c.4517C>G, p.Thr1506Ser (NM_001127487.2); short protein forms T1506S.
Identifiers: ClinVar variation 1011345 (VCV001011345.12), dbSNP rs1808634430, ClinGen allele CA369201928.
Genomic context (GRCh38, chr7:128,848,005, plus strand): 5'-GTGTGGCCGAGCCTGTGGAGGTGCGGGACAATGGAGATGGCACCCACACTGTCCACTACA[C>G]CCCAGCCACTGACGGGCCCTACACGGTAGCCGTCAAGTATGCTGACCAGGAGGTGCCACG-3'
Protein context (NP_001449.3, residues 1496-1516): NGDGTHTVHY[Thr1506Ser]PATDGPYTVA